The following is an entry in ClinVar:

ClinVar aggregate classification (germline): Uncertain significance (1 of 4 stars; one submission).

Conditions:
Congenital muscular hypertrophy-cerebral syndrome (CDLS2). Also called: SMC1A-Related Cornelia de Lange Syndrome; Cornelia de Lange syndrome 2. Identifiers: Orphanet 199, MedGen C1802395, MONDO:0010370, OMIM 300590.

gnomAD v4.1: 1 of 1,211,697 alleles (0.000083%); highest among the groups gnomAD compares: Admixed American, 0.0022%; no homozygotes.

Submission:

MVZ Medizinische Genetik Mainz
Classification: Uncertain significance for Congenital muscular hypertrophy-cerebral syndrome. Last evaluated: 2025-02-13. Review status: criteria provided, single submitter. Criteria: UK Practice Guidelines For Variant Classification V4 01 2020. Collection method: clinical testing. Allele origin: germline. Inheritance: X-linked dominant inheritance. Affected: yes. Observed: 1 variant allele.
Comment: ACMG Criteria: PP3_MOD,PM2_SUP,PP2

NM_006306.4(SMC1A):c.622C>T (p.Arg208Trp)

Gene: SMC1A (structural maintenance of chromosomes 1A; minus strand). Cytogenetic location: Xp11.22.
Variant type: single nucleotide variant.
Coding change: c.622C>T on transcript NM_006306.4 (MANE Select); coding-DNA position 622, C replaced by T.
Protein change: p.Arg208Trp; replaces arginine 208 with tryptophan.
Molecular consequence: missense variant.
Genome position (GRCh38, 1-based): chrX:53,413,132, G>A on the plus strand (C>T on the coding strand, the complement: SMC1A is on the minus strand). VCF-style: chrX-53413132-G-A. GRCh37 (hg19) VCF-style: chrX-53440082-G-A.
Other names: c.556C>T, p.Arg186Trp (NM_001281463.1); short protein forms R186W, R208W.
Identifiers: ClinVar variation 3764799 (VCV003764799.1).